The following is an entry in ClinVar:

NM_001482.3(GATM):c.1238G>A (p.Arg413Gln)

Gene: GATM (glycine amidinotransferase; minus strand). Cytogenetic location: 15q21.1.
Variant type: single nucleotide variant.
Coding change: c.1238G>A on transcript NM_001482.3 (MANE Select); coding-DNA position 1238, G replaced by A.
Protein change: p.Arg413Gln; replaces arginine 413 with glutamine.
Molecular consequence: missense variant.
Genome position (GRCh38, 1-based): chr15:45,362,143, C>T on the plus strand (G>A on the coding strand, the complement: GATM is on the minus strand). VCF-style: chr15-45362143-C-T. GRCh37 (hg19) VCF-style: chr15-45654341-C-T.
Other names: NM_001321015.2:c.851G>A; c.851G>A, p.Arg284Gln (NM_001321015.2); short protein forms R284Q, R413Q.
Identifiers: ClinVar variation 2446451 (VCV002446451.2), dbSNP rs1461653218, ClinGen allele CA392254706.

ClinVar aggregate classification (germline): Likely pathogenic (3 of 4 stars; one submission).

Conditions:
Arginine:glycine amidinotransferase deficiency (CCDS3). Also called: L-Arginine:Glycine Amidinotransferase Deficiency; Creatine deficiency syndrome due to AGAT deficiency; GATM deficiency; L-Arginine:Glycine Amidinotransferase (AGAT) Deficiency; AGAT deficiency; Cerebral creatine deficiency syndrome 3. Identifiers: Orphanet 35704, MedGen C2675179, MONDO:0012996, OMIM 612718.

Allele frequency attached by ClinVar (database versions not stated): gnomAD exomes below 0.00001; TOPMed below 0.00001; gnomAD 0.00001.
gnomAD v4.1: 5 of 1,613,522 alleles (0.00031%); highest among the groups gnomAD compares: East Asian, 0.0022%; no homozygotes.

Submission:

ClinGen Cerebral Creatine Deficiency Syndromes Variant Curation Expert Panel, ClinGen
Classification: Likely pathogenic for Arginine:glycine amidinotransferase deficiency. Last evaluated: 2025-04-11. Review status: reviewed by expert panel. Criteria: ClinGen CCDS ACMG Specifications GATM V2.0.0. Collection method: curation. Allele origin: germline. Inheritance: Autosomal recessive inheritance.
Comment: The NM_001482.3:c.1238G>A variant in GATM is a missense variant resulting in substitution of arginine by glutamine at amino acid 413 (p.Arg413Gln). One patient with this variant has been reported and has clinical features consistent with AGAT deficiency, as well as absent brain creatine by MRS and reduced plasma GAA (<0.01% normal) (PMID: 23660394 26490222); these features are highly specific for AGAT deficiency (PP4_Strong). This individual is compound heterozygous for this variant and another variant in GATM, c.1237C>T (p.Arg413Trp) that was confirmed to be in trans. Note that the second variant alters the same amino acid as the variant under assessment. The allelic data from this patient will be used in the classification of the second variant, and is not included here to avoid circular logic (PMID: 23660394 26490222). The highest population minor allele frequency in gnomAD v4.1.0 is 0.00002228 (1/44890 alleles) in the East Asian population, which is lower than the ClinGen CCDS VCEP’s threshold for PM2_Supporting (<0.000055), meeting this criterion (PM2_Supporting). The computational predictor REVEL gives a score of 0.433 which is neither above nor below the thresholds predicting a damaging (>0.644) or benign (<0.29) impact on AGAT function. When expressed in HeLa cells, the variant resulted in 0% wild type AGAT activity (PMID 27233232). In summary, this variant meets the criteria to be classified as likely pathogenic for AGAT deficiency. GATM-specific ACMG/AMP criteria applied, as specified by the ClinGen CCDS VCEP (Specifications Version 2.0.0): PP4_Strong, PS3_Supporting, PM2_Supporting. (Classification approved by the ClinGen CCDS VCEP on April 11, 2025)